The following is an entry in ClinVar:

NM_001267550.2(TTN):c.60831del (p.Lys20277fs)

Genes: TTN-AS1 (TTN antisense RNA 1; plus strand), TTN (titin; minus strand). Cytogenetic location: 2q31.2.
Variant type: Deletion.
Coding change: c.60831del on transcript NM_001267550.2 (MANE Select); coding-DNA position 60831, one base deleted (A; older notation c.60831delA).
Protein change: p.Lys20277fs; shifts the reading frame from lysine 20277.
Molecular consequence: frameshift variant.
Genome position (GRCh38, 1-based): chr2:178,590,894, T deleted on the plus strand (A on the coding strand, the reverse complement: TTN is on the minus strand); the first of 3 consecutive T bases (chr2:178,590,894-178,590,896); deleting any one gives the same sequence. VCF-style (leftmost placement, unchanged base first): chr2-178590893-GT-G. GRCh37 (hg19) VCF-style: chr2-179455620-GT-G.
Other names: c.55908del, p.Lys18636fs (NM_001256850.1); c.33636del, p.Lys11212fs (NM_003319.4); c.53127del, p.Lys17709fs (NM_133378.4); c.34011del, p.Lys11337fs (NM_133432.3); c.34212del, p.Lys11404fs (NM_133437.4); short protein forms K11212fs, K18636fs, K11337fs, K11404fs, K17709fs, K20277fs.
Identifiers: ClinVar variation 963391 (VCV000963391.10), dbSNP rs2050068938, ClinGen allele CA1139655650.

ClinVar aggregate classification (germline): Likely pathogenic (1 of 4 stars; one submission).

Conditions:
Dilated cardiomyopathy 1G (CMD1G). Identifiers: Orphanet 154, MedGen C1858763, MONDO:0011400, OMIM 604145.
Autosomal recessive limb-girdle muscular dystrophy type 2J (LGMDR10). Also called: Limb-girdle muscular dystrophy, type 2J; MUSCULAR DYSTROPHY, LIMB-GIRDLE, AUTOSOMAL RECESSIVE 10. Identifiers: Orphanet 140922, MedGen C1837342, MONDO:0012127, OMIM 608807.

Submission:

Labcorp Genetics (formerly Invitae), Labcorp
Classification: Likely pathogenic for Dilated cardiomyopathy 1G; Autosomal recessive limb-girdle muscular dystrophy type 2J. Last evaluated: 2024-07-02. Review status: criteria provided, single submitter. Criteria: Invitae Variant Classification Sherloc (09022015). Collection method: clinical testing. Allele origin: germline.
Comment: This sequence change creates a premature translational stop signal (p.Lys20277Asnfs*27) in the TTN gene. While this is not anticipated to result in nonsense mediated decay, it is expected to create a truncated TTN protein. This variant is not present in population databases (gnomAD no frequency). This variant has not been reported in the literature in individuals affected with TTN-related conditions. ClinVar contains an entry for this variant (Variation ID: 963391). This variant is located in the A band of TTN (PMID: 25589632). Truncating variants in this region are significantly overrepresented in patients affected with dilated cardiomyopathy (PMID: 25589632). Truncating variants in this region have also been reported in individuals affected with autosomal recessive centronuclear myopathy (PMID: 23975875). In summary, the currently available evidence indicates that the variant is pathogenic, but additional data are needed to prove that conclusively. Therefore, this variant has been classified as Likely Pathogenic.

Literature cited by the submitters: PubMed 25589632; PubMed 23975875.